The following is an entry in ClinVar:

NM_004260.4(RECQL4):c.536T>C (p.Leu179Pro)

Gene: RECQL4 (RecQ like helicase 4; minus strand). Cytogenetic location: 8q24.3.
Variant type: single nucleotide variant.
Coding change: c.536T>C on transcript NM_004260.4 (MANE Select); coding-DNA position 536, T replaced by C.
Protein change: p.Leu179Pro; replaces leucine 179 with proline.
Molecular consequence: missense variant.
Genome position (GRCh38, 1-based): chr8:144,516,583, A>G on the plus strand (T>C on the coding strand, the complement: RECQL4 is on the minus strand). VCF-style: chr8-144516583-A-G. GRCh37 (hg19) VCF-style: chr8-145741967-A-G.
Other names: short protein forms L179P.
Identifiers: ClinVar variation 852593 (VCV000852593.7), dbSNP rs753361853, ClinGen allele CA372691112.

ClinVar aggregate classification (germline): Uncertain significance. Review status: criteria provided, multiple submitters, no conflicts (2 of 4 stars). 2 submissions from 2 submitters: Uncertain significance (2). Last evaluated 2025-04-19.

Conditions:
Baller-Gerold syndrome (BGS). Also called: CRANIOSYNOSTOSIS WITH RADIAL DEFECTS. Identifiers: Orphanet 1225, MedGen C0265308, MONDO:0009039, OMIM 218600.
Inborn genetic diseases. Identifiers: MedGen C0950123, MeSH D030342.

Allele frequency attached by ClinVar (database versions not stated): gnomAD 0.00001.
gnomAD v4.1: 1 of 1,609,978 alleles (0.000062%); highest among the groups gnomAD compares: Non-Finnish European, 0.000085%; no homozygotes.

Submissions (2):

Ambry Genetics
Classification: Uncertain significance for Inborn genetic diseases. Last evaluated: 2025-04-19. Review status: criteria provided, single submitter. Criteria: Ambry Variant Classification Scheme 2023. Collection method: clinical testing. Allele origin: germline.
Comment: The p.L179P variant (also known as c.536T>C), located in coding exon 5 of the RECQL4 gene, results from a T to C substitution at nucleotide position 536. The leucine at codon 179 is replaced by proline, an amino acid with similar properties. This amino acid position is conserved. In addition, the in silico prediction for this alteration is inconclusive. Based on the available evidence, the clinical significance of this variant remains unclear.

Labcorp Genetics (formerly Invitae), Labcorp
Classification: Uncertain significance for Baller-Gerold syndrome. Last evaluated: 2023-05-05. Review status: criteria provided, single submitter. Criteria: Invitae Variant Classification Sherloc (09022015). Collection method: clinical testing. Allele origin: germline.
Comment: In summary, the available evidence is currently insufficient to determine the role of this variant in disease. Therefore, it has been classified as a Variant of Uncertain Significance. Advanced modeling of protein sequence and biophysical properties (such as structural, functional, and spatial information, amino acid conservation, physicochemical variation, residue mobility, and thermodynamic stability) has been performed at Invitae for this missense variant, however the output from this modeling did not meet the statistical confidence thresholds required to predict the impact of this variant on RECQL4 protein function. ClinVar contains an entry for this variant (Variation ID: 852593). This variant has not been reported in the literature in individuals affected with RECQL4-related conditions. This variant is not present in population databases (gnomAD no frequency). This sequence change replaces leucine, which is neutral and non-polar, with proline, which is neutral and non-polar, at codon 179 of the RECQL4 protein (p.Leu179Pro).